The following is an entry in ClinVar:

NM_152594.3(SPRED1):c.424G>C (p.Ala142Pro)

Gene: SPRED1 (sprouty related EVH1 domain containing 1; plus strand). Cytogenetic location: 15q14.
Variant type: single nucleotide variant.
Coding change: c.424G>C on transcript NM_152594.3 (MANE Select); coding-DNA position 424, G replaced by C.
Protein change: p.Ala142Pro; replaces alanine 142 with proline.
Molecular consequence: missense variant.
Genome position (GRCh38, 1-based): chr15:38,339,737, G>C. VCF-style: chr15-38339737-G-C. GRCh37 (hg19) VCF-style: chr15-38631938-G-C.
Other names: short protein forms A142P.
Identifiers: ClinVar variation 4174058 (VCV004174058.1).

ClinVar aggregate classification (germline): Uncertain significance (1 of 4 stars; one submission).

Conditions:
Cardiovascular phenotype. Identifiers: MedGen CN230736.

Submission:

Ambry Genetics
Classification: Uncertain significance for Cardiovascular phenotype. Last evaluated: 2025-08-28. Review status: criteria provided, single submitter. Criteria: Ambry Variant Classification Scheme 2023. Collection method: clinical testing. Allele origin: germline.
Comment: The p.A142P variant (also known as c.424G>C) is located in coding exon 5 of the SPRED1 gene. The alanine at codon 142 is replaced by proline, an amino acid with highly similar properties. This change occurs in the first base pair of coding exon 5. This amino acid position is conserved. In addition, this alteration is predicted to be tolerated by in silico analysis. Based on the available evidence, the clinical significance of this variant remains unclear.